The following is an entry in ClinVar:

Conditions:
Breast-ovarian cancer, familial, susceptibility to, 1 (BROVCA1). Also called: BRCA1 Hereditary Breast and Ovarian Cancer; OVARIAN CANCER, SUSCEPTIBILITY TO. Identifiers: Orphanet 145, MedGen C2676676, MONDO:0011450, OMIM 604370. Disease mechanism: loss of function.

Submission:

Brotman Baty Institute, University of Washington
No classification provided (evidence only). Condition: Breast-ovarian cancer, familial 1. Review status: no classification provided. Collection method: in vitro. Allele origin: not applicable. Functional consequence: functionally_normal.
ClinVar note: "not provided" was previously submitted as the classification for the variant. However, the classification appeared to be based only on an observation of functional data so it was converted to no classification on 2025-07-30.

NM_007294.4(BRCA1):c.5299T>A (p.Cys1767Ser)

Gene: BRCA1 (BRCA1 DNA repair associated; minus strand). Cytogenetic location: 17q21.31.
Variant type: single nucleotide variant.
Coding change: c.5299T>A on transcript NM_007294.4 (MANE Select); coding-DNA position 5299, T replaced by A.
Protein change: p.Cys1767Ser; replaces cysteine 1767 with serine.
Molecular consequence: missense variant. On other transcripts: non-coding transcript variant (1).
Genome position (GRCh38, 1-based): chr17:43,051,096, A>T on the plus strand (T>A on the coding strand, the complement: BRCA1 is on the minus strand). VCF-style: chr17-43051096-A-T. GRCh37 (hg19) VCF-style: chr17-41203113-A-T.
Other names: c.5086T>A, p.Cys1696Ser (NM_001407571.1, NM_001407894.1, NM_001407895.1 and 12 more transcripts); c.5365T>A, p.Cys1789Ser (NM_001407581.1, NM_001407582.1); c.5362T>A, p.Cys1788Ser (NM_001407583.1, NM_001407585.1, NM_001407587.1 and 1 more transcripts); c.5359T>A, p.Cys1787Ser (NM_001407590.1, NM_001407591.1); c.5299T>A, p.Cys1767Ser (NM_001407593.1, NM_001407594.1, NM_001407596.1 and 6 more transcripts); c.5296T>A, p.Cys1766Ser (NM_001407616.1, NM_001407617.1, NM_001407618.1 and 17 more transcripts); c.5293T>A, p.Cys1765Ser (NM_001407635.1, NM_001407636.1, NM_001407637.1 and 14 more transcripts); c.5290T>A, p.Cys1764Ser (NM_001407644.1, NM_001407645.1); and 72 more; short protein forms C1720S, C1788S, C663S, C1767S, C1613S, C1655S, C1695S, C1697S.
Identifiers: ClinVar variation 867969 (VCV000867969.3), dbSNP rs1567760645, ClinGen allele CA10590952.
Genomic context (GRCh38, chr17:43,051,096, plus strand): 5'-AACTCTGGGGTTCTCCCAGGCTCTTACCTGTGGGCATGTTGGTGAAGGGCCCATAGCAAC[A>T]GATTTCTAGCCCCCTGAAGATCTGGAAGAAGAGAGGAAGAGAGAGGGACAGGGGAATGGA-3'
Protein context (NP_009225.1, residues 1757-1777): DRKIFRGLEI[Cys1767Ser]CYGPFTNMPT